The following is an entry in ClinVar:

ClinVar aggregate classification (germline): Benign/Likely benign. Review status: criteria provided, multiple submitters, no conflicts (2 of 4 stars). 6 submissions from 6 submitters: Benign (1); Likely benign (3). 2 of the submissions do not count toward it. Last evaluated 2025-11-01.

Conditions:
Parkinson disease 21 (PARK21). Identifiers: Orphanet 411602, MedGen C4225353, MONDO:0014604, OMIM 616361.

Allele frequency attached by ClinVar (database versions not stated): ExAC 0.00441; 1000 Genomes Project 30x 0.00312; gnomAD 0.00411 and 0.00396; TOPMed 0.00440; gnomAD exomes 0.00648 and 0.00480; 1000 Genomes Project 0.00300; ESP Exome Variant Server 0.00384.
gnomAD v4.1: 10,083 of 1,613,084 alleles (0.63%); highest among the groups gnomAD compares: South Asian, 0.83%; 50 homozygotes.

Submissions (20):

CeGaT Center for Human Genetics Tuebingen
Classification: Likely benign. Last evaluated: 2025-11-01. Review status: criteria provided, single submitter. Criteria: CeGaT Center For Human Genetics Tuebingen Variant Classification Criteria Version 2. Collection method: clinical testing. Allele origin: germline. Affected: yes. Observed: 5 variant alleles.
Comment: DNAJC13: BS2

Mayo Clinic Laboratories, Mayo Clinic
Classification: Benign. Last evaluated: 2023-05-03. Review status: criteria provided, single submitter. Criteria: ACMG Guidelines, 2015. Collection method: clinical testing. Allele origin: germline. Observed: 7 variant alleles.
Comment: BS1, BS2

Labcorp Genetics (formerly Invitae), Labcorp
Classification: Likely benign. Last evaluated: 2019-12-31. Review status: criteria provided, single submitter. Criteria: Invitae Variant Classification Sherloc (09022015). Collection method: clinical testing. Allele origin: germline.

Mendelics
Classification: Likely benign for Parkinson disease 21. Last evaluated: 2019-05-28. Review status: criteria provided, single submitter. Criteria: Mendelics Assertion Criteria 2017. Collection method: clinical testing. Allele origin: unknown.

Clinical Genetics DNA and cytogenetics Diagnostics Lab, Erasmus MC, Erasmus Medical Center
Classification: Likely benign. Review status: no assertion criteria provided. Collection method: clinical testing. Allele origin: germline. Affected: yes. Study: VKGL Data-share Consensus. Not counted in ClinVar's aggregate classification.

Dr. Peter K. Rogan Lab, Western University
No classification provided (evidence only). Condition: Familial cancer of breast. Review status: no classification provided. Collection method: in vitro. Allele origin: not applicable. Functional consequence: retained intron. Not counted in ClinVar's aggregate classification.

Dr. Peter K. Rogan Lab, Western University
No classification provided (evidence only). Condition: Acute myeloid leukemia. Review status: no classification provided. Collection method: in vitro. Allele origin: not applicable. Functional consequence: retained intron. Not counted in ClinVar's aggregate classification.

Dr. Peter K. Rogan Lab, Western University
No classification provided (evidence only). Condition: Thyroid cancer, nonmedullary, 1. Review status: no classification provided. Collection method: in vitro. Allele origin: not applicable. Functional consequence: retained intron. Not counted in ClinVar's aggregate classification.

Dr. Peter K. Rogan Lab, Western University
No classification provided (evidence only). Condition: Thyroid cancer, nonmedullary, 1. Review status: no classification provided. Collection method: in vitro. Allele origin: not applicable. Functional consequence: retained intron. Not counted in ClinVar's aggregate classification.

Dr. Peter K. Rogan Lab, Western University
No classification provided (evidence only). Condition: Thyroid cancer, nonmedullary, 1. Review status: no classification provided. Collection method: in vitro. Allele origin: not applicable. Functional consequence: retained intron. Not counted in ClinVar's aggregate classification.

Dr. Peter K. Rogan Lab, Western University
No classification provided (evidence only). Condition: Cervical cancer. Review status: no classification provided. Collection method: in vitro. Allele origin: not applicable. Functional consequence: retained intron. Not counted in ClinVar's aggregate classification.

Dr. Peter K. Rogan Lab, Western University
No classification provided (evidence only). Condition: Cervical cancer. Review status: no classification provided. Collection method: in vitro. Allele origin: not applicable. Functional consequence: retained intron. Not counted in ClinVar's aggregate classification.

Dr. Peter K. Rogan Lab, Western University
No classification provided (evidence only). Condition: Malignant lymphoma, large B-cell, diffuse. Review status: no classification provided. Collection method: in vitro. Allele origin: not applicable. Functional consequence: retained intron. Not counted in ClinVar's aggregate classification.

Dr. Peter K. Rogan Lab, Western University
No classification provided (evidence only). Condition: Hepatocellular carcinoma. Review status: no classification provided. Collection method: in vitro. Allele origin: not applicable. Functional consequence: retained intron. Not counted in ClinVar's aggregate classification.

Dr. Peter K. Rogan Lab, Western University
No classification provided (evidence only). Condition: Ovarian serous cystadenocarcinoma. Review status: no classification provided. Collection method: in vitro. Allele origin: not applicable. Functional consequence: retained intron. Not counted in ClinVar's aggregate classification.

Dr. Peter K. Rogan Lab, Western University
No classification provided (evidence only). Condition: Gastric cancer. Review status: no classification provided. Collection method: in vitro. Allele origin: not applicable. Functional consequence: retained intron. Not counted in ClinVar's aggregate classification.

Dr. Peter K. Rogan Lab, Western University
No classification provided (evidence only). Condition: Gastric cancer. Review status: no classification provided. Collection method: in vitro. Allele origin: not applicable. Functional consequence: retained intron. Not counted in ClinVar's aggregate classification.

Dr. Peter K. Rogan Lab, Western University
No classification provided (evidence only). Condition: Gastric cancer. Review status: no classification provided. Collection method: in vitro. Allele origin: not applicable. Functional consequence: retained intron. Not counted in ClinVar's aggregate classification.

Dr. Peter K. Rogan Lab, Western University
No classification provided (evidence only). Condition: Lymphoma. Review status: no classification provided. Collection method: in vitro. Allele origin: not applicable. Functional consequence: retained intron. Not counted in ClinVar's aggregate classification.

Genome Diagnostics Laboratory, Amsterdam University Medical Center
Classification: Likely benign. Review status: no assertion criteria provided. Collection method: clinical testing. Allele origin: germline. Affected: yes. Study: VKGL Data-share Consensus. Not counted in ClinVar's aggregate classification.

Literature cited by the submitters: PubMed 25393719 (cited by Mayo Clinic Laboratories, Mayo Clinic); PubMed 27236598 (cited by Mayo Clinic Laboratories, Mayo Clinic).

NM_015268.4(DNAJC13):c.3872A>G (p.Glu1291Gly)

Gene: DNAJC13 (DnaJ heat shock protein family (Hsp40) member C13; plus strand). Cytogenetic location: 3q22.1.
Variant type: single nucleotide variant.
Coding change: c.3872A>G on transcript NM_015268.4 (MANE Select); coding-DNA position 3872, A replaced by G.
Protein change: p.Glu1291Gly; replaces glutamic acid 1291 with glycine.
Molecular consequence: missense variant.
Genome position (GRCh38, 1-based): chr3:132,494,190, A>G. VCF-style: chr3-132494190-A-G. GRCh37 (hg19) VCF-style: chr3-132213034-A-G.
Other names: p.Glu1291Gly; c.3887A>G, p.Glu1296Gly (NM_001329126.2); short protein forms E1291G, E1296G.
Identifiers: ClinVar variation 715477 (VCV000715477.50), dbSNP rs61748101, ClinGen allele CA2619384.